The following is an entry in ClinVar:

ClinVar aggregate classification (germline): Likely pathogenic (1 of 4 stars; one submission).

Conditions:
Congenital contractural arachnodactyly (CCA). Also called: BEALS SYNDROME; Arthrogryposis, distal, type 9; Beals-Hecht syndrome. Identifiers: Orphanet 115, MedGen C0220668, MONDO:0007363, OMIM 121050.

Submission:

Labcorp Genetics (formerly Invitae), Labcorp
Classification: Likely pathogenic for Congenital contractural arachnodactyly. Last evaluated: 2024-03-18. Review status: criteria provided, single submitter. Criteria: Invitae Variant Classification Sherloc (09022015). Collection method: clinical testing. Allele origin: germline.
Comment: This sequence change replaces cysteine, which is neutral and slightly polar, with tyrosine, which is neutral and polar, at codon 1185 of the FBN2 protein (p.Cys1185Tyr). This variant is not present in population databases (gnomAD no frequency). This variant has not been reported in the literature in individuals affected with FBN2-related conditions. Advanced modeling of protein sequence and biophysical properties (such as structural, functional, and spatial information, amino acid conservation, physicochemical variation, residue mobility, and thermodynamic stability) performed at Invitae indicates that this missense variant is expected to disrupt FBN2 protein function with a positive predictive value of 80%. This variant affects a cysteine residue located within an epidermal growth factor (EGF)–like domain of the FBN2 protein. Cysteine residues in these domains are involved in the formation of disulfide bridges critical for protein structure and stability (PMID: 3495735, 4750422, 16677079). In addition, missense substitutions within the FBN2 EGF-like domains affecting cysteine residues are overrepresented in patients with congenital contractural arachnodactyly (PMID: 18767143). In summary, the currently available evidence indicates that the variant is pathogenic, but additional data are needed to prove that conclusively. Therefore, this variant has been classified as Likely Pathogenic.

Literature cited by the submitters: PubMed 3495735; PubMed 4750422; PubMed 16677079; PubMed 18767143.

NM_001999.4(FBN2):c.3554G>A (p.Cys1185Tyr)

Gene: FBN2 (fibrillin 2; minus strand). Cytogenetic location: 5q23.3.
Variant type: single nucleotide variant.
Coding change: c.3554G>A on transcript NM_001999.4 (MANE Select); coding-DNA position 3554, G replaced by A.
Protein change: p.Cys1185Tyr; replaces cysteine 1185 with tyrosine.
Molecular consequence: missense variant.
Genome position (GRCh38, 1-based): chr5:128,338,041, C>T on the plus strand (G>A on the coding strand, the complement: FBN2 is on the minus strand). VCF-style: chr5-128338041-C-T. GRCh37 (hg19) VCF-style: chr5-127673733-C-T.
Other names: short protein forms C1185Y.
Identifiers: ClinVar variation 3645353 (VCV003645353.2).